The following is an entry in ClinVar:

ClinVar aggregate classification (germline): Conflicting classifications of pathogenicity. Review status: criteria provided, conflicting classifications (1 of 4 stars). 8 submissions from 8 submitters: Uncertain significance (7); Likely benign (1). Last evaluated 2026-08-01.

Conditions:
Cardiovascular phenotype. Identifiers: MedGen CN230736.
TNXB-related disorder. Also called: TNXB-related condition.
Ehlers-Danlos syndrome (EDS). Identifiers: Orphanet 98249, MedGen C0013720, MONDO:0020066.

Allele frequency attached by ClinVar (database versions not stated): gnomAD 0.00054; ExAC 0.00057; TOPMed 0.00067; ESP Exome Variant Server 0.00084.
gnomAD v4.1: 1,182 of 1,613,106 alleles (0.073%); highest among the groups gnomAD compares: Non-Finnish European, 0.09%; 1 homozygote.

Submissions (8):

CeGaT Center for Human Genetics Tuebingen
Classification: Uncertain significance. Last evaluated: 2026-08-01. Review status: criteria provided, single submitter. Criteria: CeGaT Center For Human Genetics Tuebingen Variant Classification Criteria Version 2. Collection method: clinical testing. Allele origin: germline. Affected: yes. Observed: 2 variant alleles.
Comment: TNXB: PM2

Women's Health and Genetics/Laboratory Corporation of America, LabCorp
Classification: Uncertain significance. Last evaluated: 2026-06-09. Review status: criteria provided, single submitter. Criteria: LabCorp Variant Classification Summary - May 2015. Collection method: clinical testing. Allele origin: germline.
Comment: Variant summary: TNXB c.6367G>A (p.Asp2123Asn) results in a conservative amino acid change located in the 12th fibronectin type III repeat domain (IPR003961) of the encoded protein sequence. Algorithms developed to predict the effect of missense changes on protein structure and function all suggest that this variant is likely to be tolerated. The variant allele was found at a frequency of 0.00068 in 247864 control chromosomes, predominantly at a frequency of 0.0011 within the Latino subpopulation in the gnomAD database. This frequency is not significantly higher than estimated for disease-causing variants in TNXB, allowing no conclusion about variant significance. To our knowledge, no occurrence of c.6367G>A in individuals affected with TNXB-related conditions and no experimental evidence demonstrating its impact on protein function have been reported. ClinVar contains an entry for this variant (Variation ID: 391484). Based on the evidence outlined above, the variant was classified as VUS-possibly benign.

PreventionGenetics, part of Exact Sciences
Classification: Uncertain significance for TNXB-related condition. Last evaluated: 2026-05-04. Review status: criteria provided, single submitter. Criteria: ACMG Guidelines, 2015. Collection method: clinical testing. Allele origin: germline.
Comment: The TNXB c.6367G>A variant is predicted to result in the amino acid substitution p.Asp2123Asn. To our knowledge, this variant has not been reported in the literature. This variant is reported in 0.11% of alleles in individuals of Latino descent in gnomAD, which is likely too common for an undocumented disease-causing variant. At this time, the clinical significance of this variant is uncertain due to the absence of conclusive functional and genetic evidence.

Mayo Clinic Laboratories, Mayo Clinic
Classification: Uncertain significance. Last evaluated: 2025-08-07. Review status: criteria provided, single submitter. Criteria: ACMG Guidelines, 2015. Collection method: clinical testing. Allele origin: germline. Observed: 7 variant alleles.

Ambry Genetics
Classification: Uncertain significance for Cardiovascular phenotype. Last evaluated: 2024-04-29. Review status: criteria provided, single submitter. Criteria: Ambry Variant Classification Scheme 2023. Collection method: clinical testing. Allele origin: germline.
Comment: The p.D2123N variant (also known as c.6367G>A), located in coding exon 17 of the TNXB gene, results from a G to A substitution at nucleotide position 6367. The aspartic acid at codon 2123 is replaced by asparagine, an amino acid with highly similar properties. This amino acid position is highly conserved in available vertebrate species. In addition, this alteration is predicted to be tolerated by in silico analysis. Since supporting evidence is limited at this time, the clinical significance of this alteration remains unclear.

Labcorp Genetics (formerly Invitae), Labcorp
Classification: Uncertain significance. Last evaluated: 2023-12-05. Review status: criteria provided, single submitter. Criteria: Invitae Variant Classification Sherloc (09022015). Collection method: clinical testing. Allele origin: germline.
Comment: This sequence change replaces aspartic acid, which is acidic and polar, with asparagine, which is neutral and polar, at codon 2123 of the TNXB protein (p.Asp2123Asn). This variant is present in population databases (rs201764050, gnomAD 0.1%), and has an allele count higher than expected for a pathogenic variant. This variant has not been reported in the literature in individuals affected with TNXB-related conditions. ClinVar contains an entry for this variant (Variation ID: 391484). An algorithm developed to predict the effect of missense changes on protein structure and function (PolyPhen-2) suggests that this variant is likely to be disruptive. In summary, the available evidence is currently insufficient to determine the role of this variant in disease. Therefore, it has been classified as a Variant of Uncertain Significance.

Genome Diagnostics Laboratory, The Hospital for Sick Children
Classification: Uncertain significance for Ehlers-Danlos syndrome. Last evaluated: 2022-05-30. Review status: criteria provided, single submitter. Criteria: ACMG Guidelines, 2015. Collection method: clinical testing. Allele origin: germline.

GeneDx
Classification: Likely benign. Last evaluated: 2021-01-12. Review status: criteria provided, single submitter. Criteria: GeneDx Variant Classification Process June 2021. Collection method: clinical testing. Allele origin: germline. Affected: yes.

NM_001365276.2(TNXB):c.6367G>A (p.Asp2123Asn)

Gene: TNXB (tenascin XB; minus strand). Cytogenetic location: 6p21.33.
Variant type: single nucleotide variant.
Coding change: c.6367G>A on transcript NM_001365276.2 (MANE Select); coding-DNA position 6367, G replaced by A.
Protein change: p.Asp2123Asn; replaces aspartic acid 2123 with asparagine.
Molecular consequence: missense variant.
Genome position (GRCh38, 1-based): chr6:32,067,838, C>T on the plus strand (G>A on the coding strand, the complement: TNXB is on the minus strand). VCF-style: chr6-32067838-C-T. GRCh37 (hg19) VCF-style: chr6-32035615-C-T.
Other names: p.Asp2123Asn; c.6367G>A, p.Asp2123Asn (NM_019105.8); short protein forms D2123N.
Identifiers: ClinVar variation 391484 (VCV000391484.29), dbSNP rs201764050, ClinGen allele CA3734451.
Genomic context (GRCh38, chr6:32,067,838, plus strand): 5'-CCCCAACACGCACCACCTGGGGCCGCCCGTCCCTGTCCTTGTACTGCACGGTGAAGGAGT[C>T]GAAGCGGCCCTGGGGGACGGTCCAGGAGAGGCTCAGCGAGTCAGGGGAGGATCCTGTCAC-3'
Protein context (NP_001352205.1, residues 2113-2133): LSWTVPQGRF[Asp2123Asn]SFTVQYKDRD